The following is an entry in ClinVar:

NM_144997.7(FLCN):c.1432+5del

Gene: FLCN (folliculin; minus strand). Cytogenetic location: 17p11.2.
Variant type: Deletion.
Coding change: c.1432+5del on transcript NM_144997.7 (MANE Select); 5 bases into the intron after coding-DNA position 1432, one base deleted (G; older notation c.1432+5delG).
Molecular consequence: intron variant.
Genome position (GRCh38, 1-based): chr17:17,215,180, C deleted on the plus strand (G on the coding strand, the reverse complement: FLCN is on the minus strand); the first of 3 consecutive C bases (chr17:17,215,180-17,215,182); deleting any one gives the same sequence. VCF-style (leftmost placement, unchanged base first): chr17-17215179-AC-A. GRCh37 (hg19) VCF-style: chr17-17118493-AC-A.
Other names: c.1432+5del (NM_001353231.2, NM_001353230.2); c.1486+5del (NM_001353229.2).
Identifiers: ClinVar variation 1772523 (VCV001772523.3), dbSNP rs2544144894, ClinGen allele CA2580092696.
Genomic context (GRCh38, chr17:17,215,179, plus strand): 5'-GGCAGGCGTTAGCGCGGGGCGGGGGCATCTTCTCACAAAAAGGACACTCTGCCTGGGGGC[AC>A]CCACCTCGGTCTGCAGCTACAGGGCTCCCACTGGTCACCACAAACTCGTACTTGCTGAGA-3'

ClinVar aggregate classification (germline): Uncertain significance. Review status: criteria provided, multiple submitters, no conflicts (2 of 4 stars). 2 submissions from 2 submitters: Uncertain significance (2). Last evaluated 2025-04-22.

Conditions:
Birt-Hogg-Dube syndrome. Also called: Birt Hogg Dubé syndrome. Identifiers: Orphanet 122, MedGen C0346010, MONDO:0800444.
Hereditary cancer-predisposing syndrome. Also called: Tumor predisposition; Neoplastic Syndromes, Hereditary; Hereditary Cancer Syndrome; Hereditary neoplastic syndrome. Identifiers: Orphanet 140162, MedGen C0027672, MeSH D009386, MONDO:0015356.

Submissions (2):

Labcorp Genetics (formerly Invitae), Labcorp
Classification: Uncertain significance for Birt-Hogg-Dube syndrome. Last evaluated: 2025-04-22. Review status: criteria provided, single submitter. Criteria: Invitae Variant Classification Sherloc (09022015). Collection method: clinical testing. Allele origin: germline.
Comment: This sequence change falls in intron 12 of the FLCN gene. It does not directly change the encoded amino acid sequence of the FLCN protein. It affects a nucleotide within the consensus splice site. This variant is not present in population databases (gnomAD no frequency). This variant has not been reported in the literature in individuals affected with FLCN-related conditions. ClinVar contains an entry for this variant (Variation ID: 1772523). Variants that disrupt the consensus splice site are a relatively common cause of aberrant splicing (PMID: 17576681, 9536098). Algorithms developed to predict the effect of sequence changes on RNA splicing suggest that this variant may disrupt the consensus splice site. In summary, the available evidence is currently insufficient to determine the role of this variant in disease. Therefore, it has been classified as a Variant of Uncertain Significance.

Ambry Genetics
Classification: Uncertain significance for Hereditary cancer-predisposing syndrome. Last evaluated: 2021-12-07. Review status: criteria provided, single submitter. Criteria: Ambry Variant Classification Scheme 2023. Collection method: clinical testing. Allele origin: germline.
Comment: The c.1432+5delG intronic variant, located in intron 9 of the FLCN gene, results from a deletion of one nucleotide within intron 9 of the FLCN gene. This nucleotide position is highly conserved in available vertebrate species. In silico splice site analysis predicts that this alteration may weaken the native splice donor site; however, direct evidence is insufficient at this time (Ambry internal data). Since supporting evidence is limited at this time, the clinical significance of this alteration remains unclear.

Literature cited by the submitters: PubMed 17576681 (cited by Labcorp Genetics (formerly Invitae), Labcorp); PubMed 9536098 (cited by Labcorp Genetics (formerly Invitae), Labcorp).